The following is an entry in ClinVar:

ClinVar aggregate classification (germline): Uncertain significance (1 of 4 stars; one submission).

Allele frequency attached by ClinVar (database versions not stated): gnomAD exomes 0.00001; ExAC 0.00004; gnomAD 0.00004 and 0.00005; TOPMed 0.00006.
gnomAD v4.1: 48 of 1,584,598 alleles (0.003%); highest among the groups gnomAD compares: African/African-American, 0.011%; no homozygotes.

Submission:

Labcorp Genetics (formerly Invitae), Labcorp
Classification: Uncertain significance. Last evaluated: 2022-08-22. Review status: criteria provided, single submitter. Criteria: Invitae Variant Classification Sherloc (09022015). Collection method: clinical testing. Allele origin: germline.
Comment: In summary, the available evidence is currently insufficient to determine the role of this variant in disease. Therefore, it has been classified as a Variant of Uncertain Significance. Algorithms developed to predict the effect of missense changes on protein structure and function are either unavailable or do not agree on the potential impact of this missense change (SIFT: "Deleterious"; PolyPhen-2: "Benign"; Align-GVGD: "Class C0"). ClinVar contains an entry for this variant (Variation ID: 1057789). This variant has not been reported in the literature in individuals affected with SAMD11-related conditions. This variant is present in population databases (rs774594600, gnomAD 0.02%). This sequence change replaces serine, which is neutral and polar, with leucine, which is neutral and non-polar, at codon 288 of the SAMD11 protein (p.Ser288Leu).

NM_001385641.1(SAMD11):c.1352C>T (p.Ser451Leu)

Gene: SAMD11 (sterile alpha motif domain containing 11; plus strand). Cytogenetic location: 1p36.33.
Variant type: single nucleotide variant.
Coding change: c.1352C>T on transcript NM_001385641.1 (MANE Select); coding-DNA position 1352, C replaced by T.
Protein change: p.Ser451Leu; replaces serine 451 with leucine.
Molecular consequence: missense variant.
Genome position (GRCh38, 1-based): chr1:941,300, C>T. VCF-style: chr1-941300-C-T. GRCh37 (hg19) VCF-style: chr1-876680-C-T.
Other names: c.1355C>T, p.Ser452Leu (NM_001385640.1); c.863C>T, p.Ser288Leu (NM_152486.4); short protein forms S288L, S451L, S452L.
Identifiers: ClinVar variation 1057789 (VCV001057789.8), dbSNP rs774594600, ClinGen allele CA502832.